The following is an entry in ClinVar:

NM_052989.3(IFT122):c.2104T>C (p.Tyr702His)

Genes: IFT122 (intraflagellar transport 122; plus strand), LOC126806810 (CDK7 strongly-dependent group 2 enhancer GRCh37_chr3:129213542-129214741; plus strand). Cytogenetic location: 3q21.3.
Variant type: single nucleotide variant.
Coding change: c.2104T>C on transcript NM_052989.3 (MANE Select); coding-DNA position 2104, T replaced by C.
Protein change: p.Tyr702His; replaces tyrosine 702 with histidine.
Molecular consequence: missense variant.
Genome position (GRCh38, 1-based): chr3:129,495,503, T>C. VCF-style: chr3-129495503-T-C. GRCh37 (hg19) VCF-style: chr3-129214346-T-C.
Other names: c.1873T>C, p.Tyr625His (NM_001410811.1, NM_001410813.1); c.1771T>C, p.Tyr591His (NM_001410815.1, NM_052990.3); c.1717T>C, p.Tyr573His (NM_001410817.1, NM_001438041.1); c.1948T>C, p.Tyr650His (NM_001438637.1, NM_001438638.1); c.1894T>C, p.Tyr632His (NM_001438639.1, NM_001438640.1); c.1927T>C, p.Tyr643His (NM_018262.4, NM_001410810.1); c.2080T>C, p.Tyr694His (NM_001280541.2); c.1654T>C, p.Tyr552His (NM_001280545.2); and 4 more; short protein forms Y625H, Y632H, Y643H, Y753H, Y552H, Y573H, Y650H, Y684H.
Identifiers: ClinVar variation 4273815 (VCV004273815.2).

ClinVar aggregate classification (germline): Uncertain significance. Review status: criteria provided, multiple submitters, no conflicts (2 of 4 stars). 2 submissions from 2 submitters: Uncertain significance (2). Last evaluated 2025-10-14.

Conditions:
Inborn genetic diseases. Identifiers: MedGen C0950123, MeSH D030342.
Cranioectodermal dysplasia 1 (CED1). Also called: LEVIN SYNDROME I. Identifiers: Orphanet 1515, MedGen C0432235, MONDO:0021093, OMIM 218330.

gnomAD v4.1: 11 of 1,614,084 alleles (0.00068%); highest among the groups gnomAD compares: Non-Finnish European, 0.00085%; no homozygotes.

Submissions (2):

Labcorp Genetics (formerly Invitae), Labcorp
Classification: Uncertain significance for Cranioectodermal dysplasia 1. Last evaluated: 2025-10-14. Review status: criteria provided, single submitter. Criteria: Invitae Variant Classification Sherloc (09022015). Collection method: clinical testing. Allele origin: germline.
Comment: This sequence change replaces tyrosine, which is neutral and polar, with histidine, which is basic and polar, at codon 753 of the IFT122 protein (p.Tyr753His). This variant is present in population databases (rs769601983, gnomAD 0.002%). This variant has not been reported in the literature in individuals affected with IFT122-related conditions. Invitae Evidence Modeling of protein sequence and biophysical properties (such as structural, functional, and spatial information, amino acid conservation, physicochemical variation, residue mobility, and thermodynamic stability) indicates that this missense variant is not expected to disrupt IFT122 protein function with a negative predictive value of 80%. In summary, the available evidence is currently insufficient to determine the role of this variant in disease. Therefore, it has been classified as a Variant of Uncertain Significance.

Ambry Genetics
Classification: Uncertain significance for Inborn genetic diseases. Last evaluated: 2025-06-18. Review status: criteria provided, single submitter. Criteria: Ambry Variant Classification Scheme 2023. Collection method: clinical testing. Allele origin: germline.